The following is an entry in ClinVar:

ClinVar aggregate classification (germline): Uncertain significance (1 of 4 stars; one submission).

Allele frequency attached by ClinVar (database versions not stated): ExAC 0.00001; gnomAD 0.00002; TOPMed 0.00003.
gnomAD v4.1: 62 of 1,610,764 alleles (0.0038%); highest among the groups gnomAD compares: African/African-American, 0.0053%; 1 homozygote.

Submission:

Labcorp Genetics (formerly Invitae), Labcorp
Classification: Uncertain significance. Last evaluated: 2023-07-29. Review status: criteria provided, single submitter. Criteria: Invitae Variant Classification Sherloc (09022015). Collection method: clinical testing. Allele origin: germline.
Comment: In summary, the available evidence is currently insufficient to determine the role of this variant in disease. Therefore, it has been classified as a Variant of Uncertain Significance. Advanced modeling of protein sequence and biophysical properties (such as structural, functional, and spatial information, amino acid conservation, physicochemical variation, residue mobility, and thermodynamic stability) performed at Invitae indicates that this missense variant is expected to disrupt SPTBN2 protein function. This variant has not been reported in the literature in individuals affected with SPTBN2-related conditions. The frequency data for this variant in the population databases is considered unreliable, as metrics indicate poor data quality at this position in the gnomAD database. This sequence change replaces arginine, which is basic and polar, with tryptophan, which is neutral and slightly polar, at codon 800 of the SPTBN2 protein (p.Arg800Trp).

NM_006946.4(SPTBN2):c.2398C>T (p.Arg800Trp)

Gene: SPTBN2 (spectrin beta, non-erythrocytic 2; minus strand). Cytogenetic location: 11q13.2.
Variant type: single nucleotide variant.
Coding change: c.2398C>T on transcript NM_006946.4 (MANE Select); coding-DNA position 2398, C replaced by T.
Protein change: p.Arg800Trp; replaces arginine 800 with tryptophan.
Molecular consequence: missense variant.
Genome position (GRCh38, 1-based): chr11:66,704,878, G>A on the plus strand (C>T on the coding strand, the complement: SPTBN2 is on the minus strand). VCF-style: chr11-66704878-G-A. GRCh37 (hg19) VCF-style: chr11-66472349-G-A.
Other names: c.2419C>T, p.Arg807Trp (NM_001411025.1); short protein forms R800W, R807W.
Identifiers: ClinVar variation 2895562 (VCV002895562.3), dbSNP rs775807933, ClinGen allele CA6129136.